The following is an entry in ClinVar:

NM_005591.4(MRE11):c.2023A>G (p.Met675Val)

Gene: MRE11 (MRE11 double strand break repair nuclease; minus strand). Cytogenetic location: 11q21.
Variant type: single nucleotide variant.
Coding change: c.2023A>G on transcript NM_005591.4 (MANE Select); coding-DNA position 2023, A replaced by G.
Protein change: p.Met675Val; replaces methionine 675 with valine.
Molecular consequence: missense variant.
Genome position (GRCh38, 1-based): chr11:94,429,958, T>C on the plus strand (A>G on the coding strand, the complement: MRE11 is on the minus strand). VCF-style: chr11-94429958-T-C. GRCh37 (hg19) VCF-style: chr11-94163124-T-C.
Other names: c.2020A>G, p.Met674Val (NM_001330347.2); c.1939A>G, p.Met647Val (NM_005590.4); short protein forms M674V, M647V, M675V.
Identifiers: ClinVar variation 820536 (VCV000820536.14), dbSNP rs756418071, ClinGen allele CA6234916.

ClinVar aggregate classification (germline): Uncertain significance. Review status: criteria provided, multiple submitters, no conflicts (2 of 4 stars). 3 submissions from 3 submitters: Uncertain significance (3). Last evaluated 2024-05-13.

Conditions:
Ataxia-telangiectasia-like disorder (ATLD). Identifiers: MedGen C1858391, MONDO:0011457.
Hereditary cancer-predisposing syndrome. Also called: Neoplastic Syndromes, Hereditary; Tumor predisposition; Hereditary Cancer Syndrome; Hereditary neoplastic syndrome. Identifiers: Orphanet 140162, MedGen C0027672, MeSH D009386, MONDO:0015356.
Ataxia-telangiectasia-like disorder 1 (ATLD1). Identifiers: Orphanet 251347, MedGen C4012790, MONDO:0024557, OMIM 604391.

Allele frequency attached by ClinVar (database versions not stated): ExAC 0.00001.
gnomAD v4.1: 15 of 1,614,152 alleles (0.00093%); highest among the groups gnomAD compares: African/African-American, 0.0027%; no homozygotes.

Submissions (3):

Fulgent Genetics
Classification: Uncertain significance for Ataxia-telangiectasia-like disorder 1. Last evaluated: 2024-05-13. Review status: criteria provided, single submitter. Criteria: ACMG Guidelines, 2015. Collection method: clinical testing. Allele origin: germline.

Labcorp Genetics (formerly Invitae), Labcorp
Classification: Uncertain significance for Ataxia-telangiectasia-like disorder. Last evaluated: 2024-04-22. Review status: criteria provided, single submitter. Criteria: Invitae Variant Classification Sherloc (09022015). Collection method: clinical testing. Allele origin: germline.
Comment: This sequence change replaces methionine, which is neutral and non-polar, with valine, which is neutral and non-polar, at codon 675 of the MRE11 protein (p.Met675Val). This variant is present in population databases (rs756418071, gnomAD 0.003%). This variant has not been reported in the literature in individuals affected with MRE11-related conditions. ClinVar contains an entry for this variant (Variation ID: 820536). An algorithm developed to predict the effect of missense changes on protein structure and function (PolyPhen-2) suggests that this variant is likely to be tolerated. In summary, the available evidence is currently insufficient to determine the role of this variant in disease. Therefore, it has been classified as a Variant of Uncertain Significance.

Ambry Genetics
Classification: Uncertain significance for Hereditary cancer-predisposing syndrome. Last evaluated: 2023-01-27. Review status: criteria provided, single submitter. Criteria: Ambry Variant Classification Scheme 2023. Collection method: clinical testing. Allele origin: germline.
Comment: The p.M675V variant (also known as c.2023A>G), located in coding exon 18 of the MRE11A gene, results from an A to G substitution at nucleotide position 2023. The methionine at codon 675 is replaced by valine, an amino acid with highly similar properties. This amino acid position is not well conserved in available vertebrate species. In addition, this alteration is predicted to be tolerated by in silico analysis. Since supporting evidence is limited at this time, the clinical significance of this alteration remains unclear.